The following is an entry in ClinVar:

ClinVar aggregate classification (germline): Uncertain significance (1 of 4 stars; one submission).

Allele frequency attached by ClinVar (database versions not stated): TOPMed below 0.00001; gnomAD 0.00001; gnomAD exomes 0.00002; ExAC 0.00005.
gnomAD v4.1: 23 of 1,614,140 alleles (0.0014%); highest among the groups gnomAD compares: Non-Finnish European, 0.0019%; no homozygotes.

Submission:

Labcorp Genetics (formerly Invitae), Labcorp
Classification: Uncertain significance. Last evaluated: 2022-09-01. Review status: criteria provided, single submitter. Criteria: Invitae Variant Classification Sherloc (09022015). Collection method: clinical testing. Allele origin: germline.
Comment: This sequence change replaces serine, which is neutral and polar, with glycine, which is neutral and non-polar, at codon 230 of the ADAMTS18 protein (p.Ser230Gly). This variant is present in population databases (rs199615040, gnomAD 0.009%). This variant has not been reported in the literature in individuals affected with ADAMTS18-related conditions. Algorithms developed to predict the effect of missense changes on protein structure and function output the following: SIFT: "Not Available"; PolyPhen-2: "Benign"; Align-GVGD: "Not Available". The glycine amino acid residue is found in multiple mammalian species, which suggests that this missense change does not adversely affect protein function. In summary, the available evidence is currently insufficient to determine the role of this variant in disease. Therefore, it has been classified as a Variant of Uncertain Significance.

NM_199355.4(ADAMTS18):c.688A>G (p.Ser230Gly)

Gene: ADAMTS18 (ADAM metallopeptidase with thrombospondin type 1 motif 18; minus strand). Cytogenetic location: 16q23.1.
Variant type: single nucleotide variant.
Coding change: c.688A>G on transcript NM_199355.4 (MANE Select); coding-DNA position 688, A replaced by G.
Protein change: p.Ser230Gly; replaces serine 230 with glycine.
Molecular consequence: missense variant. On other transcripts: synonymous variant (1).
Genome position (GRCh38, 1-based): chr16:77,367,531, T>C on the plus strand (A>G on the coding strand, the complement: ADAMTS18 is on the minus strand). VCF-style: chr16-77367531-T-C. GRCh37 (hg19) VCF-style: chr16-77401428-T-C.
Other names: c.168A>G, p.Gln56= (NM_001326358.2); short protein forms S230G.
Identifiers: ClinVar variation 1945155 (VCV001945155.5), dbSNP rs199615040, ClinGen allele CA8181595.